The following is an entry in ClinVar:

ClinVar aggregate classification (germline): Uncertain significance (1 of 4 stars; one submission).

Conditions:
Cardiovascular phenotype. Identifiers: MedGen CN230736.

Allele frequency attached by ClinVar (database versions not stated): TOPMed below 0.00001; gnomAD exomes 0.00002.
gnomAD v4.1: 11 of 1,550,368 alleles (0.00071%); highest among the groups gnomAD compares: East Asian, 0.024%; no homozygotes.

Submission:

Ambry Genetics
Classification: Uncertain significance for Cardiovascular phenotype. Last evaluated: 2024-10-29. Review status: criteria provided, single submitter. Criteria: Ambry Variant Classification Scheme 2023. Collection method: clinical testing. Allele origin: germline.
Comment: The p.S2345G variant (also known as c.7033A>G), located in coding exon 2 of the ZNF469 gene, results from an A to G substitution at nucleotide position 7033. The serine at codon 2345 is replaced by glycine, an amino acid with similar properties. This amino acid position is conserved. In addition, this alteration is predicted to be tolerated by in silico analysis. Since supporting evidence is limited at this time, the clinical significance of this alteration remains unclear.

NM_001367624.2(ZNF469):c.7117A>G (p.Ser2373Gly)

Gene: ZNF469 (zinc finger protein 469; plus strand). Cytogenetic location: 16q24.2.
Variant type: single nucleotide variant.
Coding change: c.7117A>G on transcript NM_001367624.2 (MANE Select); coding-DNA position 7117, A replaced by G.
Protein change: p.Ser2373Gly; replaces serine 2373 with glycine.
Molecular consequence: missense variant.
Genome position (GRCh38, 1-based): chr16:88,434,587, A>G. VCF-style: chr16-88434587-A-G. GRCh37 (hg19) VCF-style: chr16-88500995-A-G.
Other names: NM_001127464.1:c.7033A>G; short protein forms S2373G.
Identifiers: ClinVar variation 1756800 (VCV001756800.3), dbSNP rs981256736, ClinGen allele CA286382350.